The following is an entry in ClinVar:

NM_004360.5(CDH1):c.833-2A>G

Gene: CDH1 (cadherin 1; plus strand). Cytogenetic location: 16q22.1.
Variant type: single nucleotide variant.
Coding change: c.833-2A>G on transcript NM_004360.5 (MANE Select); the canonical splice acceptor site of the intron before coding-DNA position 833, A replaced by G.
Molecular consequence: splice acceptor variant.
Genome position (GRCh38, 1-based): chr16:68,811,682, A>G. VCF-style: chr16-68811682-A-G. GRCh37 (hg19) VCF-style: chr16-68845585-A-G.
Other names: c.-783-2A>G (NM_001317185.2); c.-987-2A>G (NM_001317186.2); c.833-2A>G (NM_001317184.2).
Identifiers: ClinVar variation 439045 (VCV000439045.18), dbSNP rs1555515596, ClinGen allele CA396459533.
Genomic context (GRCh38, chr16:68,811,682, plus strand): 5'-CAGTATTGACCCAGTCCCAAAGTGCAGCTTGTCTAAACCTTCATCTCCTTGAACTCTTCC[A>G]GGAACCTCTGTGATGGAGGTCACAGCCACAGACGCGGACGATGATGTGAACACCTACAAT-3'

ClinVar aggregate classification (germline): Pathogenic. Review status: reviewed by expert panel (3 of 4 stars). 5 submissions from 5 submitters: Pathogenic (1). 4 of the submissions do not count toward it. Last evaluated 2023-08-28.

Conditions:
Familial cancer of breast. Also called: hereditary breast carcinoma; BREAST CANCER, FAMILIAL; Hereditary breast cancer. Identifiers: Orphanet 227535, MedGen C0346153, MONDO:0016419, OMIM 114480. Disease mechanism: loss of function.
Hereditary diffuse gastric adenocarcinoma (HDGC). Also called: DIFFUSE GASTRIC AND LOBULAR BREAST CANCER SYNDROME. Identifiers: Orphanet 26106, MedGen C1708349, MONDO:0007648, OMIM 137215.
CDH1-related diffuse gastric and lobular breast cancer syndrome. Also called: CDH1-related diffuse gastric and lobular breast cancer. Identifiers: MedGen CN311521, MONDO:0100488.

Submissions (5):

Clingen Gastric Cancer Variant Curation Expert Panel
Classification: Pathogenic for CDH1-related diffuse gastric and lobular breast cancer syndrome. Last evaluated: 2023-08-28. Review status: reviewed by expert panel. Criteria: ClinGen CDH1 ACMG Specifications V3.1. Collection method: curation. Allele origin: germline. Inheritance: Autosomal dominant inheritance.
Comment: The c.833-2A>G variant is a canonical splice variant predicted to result in a truncated or absent protein (PVS1_Strong, PM5_Supporting). There is multiple RNA assays demonstrating abnormal out-of-frame transcript for this variant (PS3_Supporting; PMID: 22118538, 20624523). The variant is absent in the gnomAD cohort. (PM2_Supporting). This variant has been reported in at least 3 families meeting HDGC clinical criteria (PS4_Moderate; PMID: 22118538, 18391748, 21424370, 20624523, internal laboratory contributor). This variant was found to co-segregate with disease in multiple affected family members, with 5 meioses observed over two families (PP1_Moderate; PMID: 20624523, internal laboratory contributor). Therefore, this variant meets criteria to be classified as pathogenic based on the ACMG/AMP criteria applied as specified by the CDH1 Variant Curation Expert Panel (Variant Interpretation Guidelines Version 3.1): PVS1_Strong, PS3_Supporting, PM2_Supporting, PS4_Moderate, PP1_Moderate, PM5_Supporting.

Labcorp Genetics (formerly Invitae), Labcorp
Classification: Pathogenic for Hereditary diffuse gastric adenocarcinoma. Last evaluated: 2023-11-15. Review status: criteria provided, single submitter. Criteria: Invitae Variant Classification Sherloc (09022015). Collection method: clinical testing. Allele origin: germline. Not counted in ClinVar's aggregate classification.
Comment: This sequence change affects an acceptor splice site in intron 6 of the CDH1 gene. RNA analysis indicates that disruption of this splice site induces altered splicing and may result in an absent or disrupted protein product. This variant is not present in population databases (gnomAD no frequency). Disruption of this splice site has been observed in individuals with diffuse gastric cancer (PMID: 18391748, 20624523, 22118538). ClinVar contains an entry for this variant (Variation ID: 439045). Studies have shown that disruption of this splice site results in cryptic splice site activation and introduces a premature termination codon (PMID: 20624523, 22118538). The resulting mRNA is expected to undergo nonsense-mediated decay. For these reasons, this variant has been classified as Pathogenic.

Myriad Genetics, Inc.
Classification: Likely pathogenic for Hereditary diffuse gastric adenocarcinoma. Last evaluated: 2023-06-12. Review status: criteria provided, single submitter. Criteria: Myriad Autosomal Dominant, Autosomal Recessive and X-Linked Classification Criteria (2023). Collection method: clinical testing. Allele origin: unknown. Not counted in ClinVar's aggregate classification.
Comment: This variant is considered likely pathogenic. This variant occurs within a consensus splice junction and is predicted to result in abnormal mRNA splicing of either an out-of-frame exon or an in-frame exon necessary for protein stability and/or normal function.

Baylor Genetics
Classification: Pathogenic for Familial cancer of breast. Last evaluated: 2022-07-12. Review status: criteria provided, single submitter. Criteria: ACMG Guidelines, 2015. Collection method: clinical testing. Allele origin: unknown. Not counted in ClinVar's aggregate classification.

Quest Diagnostics Nichols Institute San Juan Capistrano
Classification: Pathogenic. Last evaluated: 2016-12-08. Review status: criteria provided, single submitter. Criteria: Quest Diagnostics criteria. Collection method: clinical testing. Allele origin: germline. Not counted in ClinVar's aggregate classification.

Literature cited by the submitters: PubMed 22225527 (cited by Clingen Gastric Cancer Variant Curation Expert Panel); PubMed 20824432 (cited by Clingen Gastric Cancer Variant Curation Expert Panel); PubMed 18391748 (cited by Clingen Gastric Cancer Variant Curation Expert Panel and Labcorp Genetics (formerly Invitae), Labcorp); PubMed 22118538 (cited by 3 submitters); PubMed 20624523 (cited by 3 submitters); PubMed 21424370 (cited by Clingen Gastric Cancer Variant Curation Expert Panel); PubMed 20373070 (cited by Clingen Gastric Cancer Variant Curation Expert Panel).